The following is an entry in ClinVar:

NM_018129.4(PNPO):c.352G>A (p.Gly118Arg)

Gene: PNPO (pyridoxamine 5'-phosphate oxidase; plus strand). Cytogenetic location: 17q21.32.
Variant type: single nucleotide variant.
Coding change: c.352G>A on transcript NM_018129.4 (MANE Select); coding-DNA position 352, G replaced by A.
Protein change: p.Gly118Arg; replaces glycine 118 with arginine.
Molecular consequence: missense variant.
Genome position (GRCh38, 1-based): chr17:47,944,704, G>A. VCF-style: chr17-47944704-G-A. GRCh37 (hg19) VCF-style: chr17-46022070-G-A.
Other names: short protein forms G118R.
Identifiers: ClinVar variation 2736612 (VCV002736612.3), dbSNP rs2509291965, ClinGen allele CA400057365.

ClinVar aggregate classification (germline): Likely pathogenic (1 of 4 stars; one submission).

Conditions:
Pyridoxal phosphate-responsive seizures (PNPOD). Also called: EPILEPTIC ENCEPHALOPATHY, NEONATAL, PNPO-RELATED; SEIZURES, PYRIDOXINE-RESISTANT, PLP-SENSITIVE; Pyridoxamine 5-Prime-Phosphate Oxidase Deficiency; Pyridoxine-5'-phosphate oxidase deficiency; Pyridoxal 5'-Phosphate (PLP)-Dependent Epilepsy. Identifiers: Orphanet 79096, MedGen C1864723, MONDO:0012407, OMIM 610090. Disease mechanism: loss of function.

Submission:

Labcorp Genetics (formerly Invitae), Labcorp
Classification: Likely pathogenic for Pyridoxal phosphate-responsive seizures. Last evaluated: 2023-04-22. Review status: criteria provided, single submitter. Criteria: Invitae Variant Classification Sherloc (09022015). Collection method: clinical testing. Allele origin: germline.
Comment: Advanced modeling of protein sequence and biophysical properties (such as structural, functional, and spatial information, amino acid conservation, physicochemical variation, residue mobility, and thermodynamic stability) performed at Invitae indicates that this missense variant is expected to disrupt PNPO protein function. Experimental studies have shown that this missense change affects PNPO function (PMID: 32788630). In summary, the currently available evidence indicates that the variant is pathogenic, but additional data are needed to prove that conclusively. Therefore, this variant has been classified as Likely Pathogenic. This sequence change replaces glycine, which is neutral and non-polar, with arginine, which is basic and polar, at codon 118 of the PNPO protein (p.Gly118Arg). This variant is not present in population databases (gnomAD no frequency). This missense change has been observed in individual(s) with pyridoxal-5-phosphate (PLP)-dependent epilepsy (PMID: 23430561, 32395712).

Literature cited by the submitters: PubMed 32788630; PubMed 23430561; PubMed 32395712.